The following is an entry in ClinVar:

ClinVar aggregate classification (germline): Pathogenic (1 of 4 stars; one submission).

Conditions:
Aortic valve disease 2 (AOVD2). Identifiers: MedGen C3542024, MONDO:0013902, OMIM 614823.

Submission:

Labcorp Genetics (formerly Invitae), Labcorp
Classification: Pathogenic for Aortic valve disease 2. Last evaluated: 2021-02-17. Review status: criteria provided, single submitter. Criteria: Invitae Variant Classification Sherloc (09022015). Collection method: clinical testing. Allele origin: germline.
Comment: For these reasons, this variant has been classified as Pathogenic. This variant has not been reported in the literature in individuals with TBX5-related conditions. This variant is not present in population databases (ExAC no frequency). This sequence change creates a premature translational stop signal (p.Glu254*) in the TBX5 gene. It is expected to result in an absent or disrupted protein product. Loss-of-function variants in TBX5 are known to be pathogenic (PMID: 16183809, 16917909).

Literature cited by the submitters: PubMed 16183809; PubMed 16917909.

NM_181486.4(TBX5):c.760G>T (p.Glu254Ter)

Gene: TBX5 (T-box transcription factor 5; minus strand). Cytogenetic location: 12q24.21.
Variant type: single nucleotide variant.
Coding change: c.760G>T on transcript NM_181486.4 (MANE Select); coding-DNA position 760, G replaced by T.
Protein change: p.Glu254Ter; replaces glutamic acid 254 with a stop codon.
Molecular consequence: nonsense.
Genome position (GRCh38, 1-based): chr12:114,366,387, C>A on the plus strand (G>T on the coding strand, the complement: TBX5 is on the minus strand). VCF-style: chr12-114366387-C-A. GRCh37 (hg19) VCF-style: chr12-114804192-C-A.
Other names: c.760G>T, p.Glu254Ter (NM_000192.3); c.610G>T, p.Glu204Ter (NM_080717.4); short protein forms E204*, E254*.
Identifiers: ClinVar variation 1350538 (VCV001350538.6), dbSNP rs2136373802, ClinGen allele CA386926686.
Genomic context (GRCh38, chr12:114,366,387, plus strand): 5'-AAGGACTGTGGTTGGAGGCCACTTTTTGCCTCACGGTGCTCCTGGGGACCACGGGATATT[C>A]TTTACTGAAAGAGAAAAGATGGGAGATAACGCCTATCAGTGCCCTGATACAGATTTCCTG-3'